The following is an entry in ClinVar:

NM_001079843.3(CASZ1):c.1958_1972dup (p.Glu657_Gly658insGluCysLysTyrGlu)

Gene: CASZ1 (castor zinc finger 1; minus strand). Cytogenetic location: 1p36.22.
Variant type: Duplication.
Coding change: c.1958_1972dup on transcript NM_001079843.3 (MANE Select); coding-DNA positions 1958 to 1972, 15 bases duplicated (AGTGCAAGTACGAGG).
Protein change: p.Glu657_Gly658insGluCysLysTyrGlu.
Molecular consequence: inframe insertion.
Genome position (GRCh38, 1-based): chr1:10,654,085-10,654,099, CCTCGTACTTGCACT duplicated on the plus strand (AGTGCAAGTACGAGG on the coding strand, the reverse complement: CASZ1 is on the minus strand); duplicating any 15 consecutive bases within chr1:10,654,085-10,654,110 gives the same sequence; the c. name uses the placement nearest the transcript's 3' end. VCF-style (leftmost placement, unchanged base first): chr1-10654084-C-CCCTCGTACTTGCACT. GRCh37 (hg19) VCF-style: chr1-10714141-C-CCCTCGTACTTGCACT.
Other names: c.1958_1972dup, p.Glu657_Gly658insGluCysLysTyrGlu (NM_017766.5).
Identifiers: ClinVar variation 2638209 (VCV002638209.24), dbSNP rs778493066, ClinGen allele CA584969.

ClinVar aggregate classification (germline): Uncertain significance (1 of 4 stars; one submission).

Submission:

CeGaT Center for Human Genetics Tuebingen
Classification: Uncertain significance. Last evaluated: 2022-05-01. Review status: criteria provided, single submitter. Criteria: CeGaT Center For Human Genetics Tuebingen Variant Classification Criteria Version 2. Collection method: clinical testing. Allele origin: germline. Affected: yes. Observed: 1 variant allele.
Comment: CASZ1: PM2, PM4